The following is an entry in ClinVar:

ClinVar aggregate classification (germline): Pathogenic. Review status: reviewed by expert panel (3 of 4 stars). 8 submissions from 8 submitters: Pathogenic (1). 7 of the submissions do not count toward it. Last evaluated 2016-09-08.

Conditions:
Hereditary cancer-predisposing syndrome. Also called: Tumor predisposition; Neoplastic Syndromes, Hereditary; Hereditary Cancer Syndrome; Hereditary neoplastic syndrome. Identifiers: Orphanet 140162, MedGen C0027672, MeSH D009386, MONDO:0015356.
Hereditary breast ovarian cancer syndrome. Also called: Hereditary breast and ovarian cancer syndrome (HBOC); Hereditary breast and ovarian cancer syndrome; Hereditary breast and ovarian cancer; Hereditary breast and/or ovarian cancer syndrome; Breast and ovarian cancer; BRCA1- and BRCA2-Associated Hereditary Breast and Ovarian Cancer. Identifiers: Orphanet 145, MedGen C0677776, MeSH D061325, MONDO:0003582. Disease mechanism: loss of function.
Breast-ovarian cancer, familial, susceptibility to, 1 (BROVCA1). Also called: OVARIAN CANCER, SUSCEPTIBILITY TO; BRCA1 Hereditary Breast and Ovarian Cancer. Identifiers: Orphanet 145, MedGen C2676676, MONDO:0011450, OMIM 604370. Disease mechanism: loss of function.

Allele frequency attached by ClinVar (database versions not stated): gnomAD exomes below 0.00001.

Submissions (8):

Evidence-based Network for the Interpretation of Germline Mutant Alleles (ENIGMA)
Classification: Pathogenic for Breast-ovarian cancer, familial, susceptibility to, 1. Last evaluated: 2016-09-08. Review status: reviewed by expert panel. Criteria: ENIGMA BRCA1/2 Classification Criteria (2015). Collection method: curation. Allele origin: germline.
Comment: Variant allele predicted to encode a truncated non-functional protein.

Labcorp Genetics (formerly Invitae), Labcorp
Classification: Pathogenic for Hereditary breast ovarian cancer syndrome. Last evaluated: 2025-07-18. Review status: criteria provided, single submitter. Criteria: Invitae Variant Classification Sherloc (09022015). Collection method: clinical testing. Allele origin: germline. Not counted in ClinVar's aggregate classification.
Comment: This sequence change creates a premature translational stop signal (p.Lys652Glufs*21) in the BRCA1 gene. It is expected to result in an absent or disrupted protein product. Loss-of-function variants in BRCA1 are known to be pathogenic (PMID: 20104584). This variant is not present in population databases (gnomAD no frequency). This premature translational stop signal has been observed in individual(s) with breast or ovarian cancer (PMID: 25633036, 25802882, 26439132, 29215753). This variant is also known as c.1952_1953insG. ClinVar contains an entry for this variant (Variation ID: 54412). For these reasons, this variant has been classified as Pathogenic.

Ambry Genetics
Classification: Pathogenic for Hereditary cancer-predisposing syndrome. Last evaluated: 2023-10-27. Review status: criteria provided, single submitter. Criteria: Ambry Variant Classification Scheme 2023. Collection method: clinical testing. Allele origin: germline. Not counted in ClinVar's aggregate classification.
Comment: The c.1953dupG pathogenic mutation, located in coding exon 9 of the BRCA1 gene, results from a duplication of G at nucleotide position 1953, causing a translational frameshift with a predicted alternate stop codon (p.K652Efs*21). This variant is considered to be rare based on population cohorts in the Genome Aggregation Database (gnomAD). This alteration has been reported in a French Canadian family (Oros KK et al. Int. J. Cancer, 2004 Nov;112(3):411-9), as well as in a cohort of 115 women with breast cancer diagnosed at age 30 or younger (Evans DG et al. Br. J. Cancer, 2010 Mar;102:1091-8). This alteration was also identified in a large, worldwide study of BRCA1/2 mutation positive families (Rebbeck TR et al. Hum. Mutat., 2018 05;39:593-620). Of note, this alteration is also designated as 2072insG in published literature. In addition to the clinical data presented in the literature, this alteration is expected to result in loss of function by premature protein truncation or nonsense-mediated mRNA decay. As such, this alteration is interpreted as a disease-causing mutation.

Color Diagnostics, LLC DBA Color Health
Classification: Pathogenic for Hereditary cancer-predisposing syndrome. Last evaluated: 2020-01-15. Review status: criteria provided, single submitter. Criteria: ACMG Guidelines, 2015. Collection method: clinical testing. Allele origin: germline. Not counted in ClinVar's aggregate classification.
Comment: This variant inserts 1 nucleotide in exon 10 of the BRCA1 gene, creating a frameshift and premature translation stop signal. This variant is expected to result in an absent or non-functional protein product. This variant has not been identified in the general population by the Genome Aggregation Database (gnomAD). Loss of BRCA1 function is a known mechanism of disease. Based on the available evidence, this variant is classified as Pathogenic.

Quest Diagnostics Nichols Institute San Juan Capistrano
Classification: Pathogenic. Last evaluated: 2015-11-07. Review status: criteria provided, single submitter. Criteria: Quest Diagnostics criteria. Collection method: clinical testing. Allele origin: germline. Not counted in ClinVar's aggregate classification.

Consortium of Investigators of Modifiers of BRCA1/2 (CIMBA), c/o University of Cambridge
Classification: Pathogenic for Breast-ovarian cancer, familial, susceptibility to, 1. Last evaluated: 2015-10-02. Review status: criteria provided, single submitter. Criteria: CIMBA Mutation Classification guidelines May 2016. Collection method: clinical testing. Allele origin: germline. Not counted in ClinVar's aggregate classification.

Research Molecular Genetics Laboratory, Women's College Hospital, University of Toronto
Classification: Pathogenic for Hereditary breast ovarian cancer syndrome. Last evaluated: 2014-01-31. Review status: no assertion criteria provided. Collection method: research. Allele origin: germline. Affected: yes. Study: The Canadian Open Genetics Repository (COGR). Not counted in ClinVar's aggregate classification.

Breast Cancer Information Core (BIC) (BRCA1)
Classification: Pathogenic for Breast-ovarian cancer, familial 1. Last evaluated: 1999-04-06. Review status: no assertion criteria provided. Collection method: clinical testing. Allele origin: germline. Affected: yes. Observed: 5 variant alleles. Not counted in ClinVar's aggregate classification.

Literature cited by the submitters: PubMed 20104584 (cited by Labcorp Genetics (formerly Invitae), Labcorp); PubMed 25633036 (cited by 3 submitters); PubMed 25802882 (cited by Labcorp Genetics (formerly Invitae), Labcorp); PubMed 26439132 (cited by Labcorp Genetics (formerly Invitae), Labcorp); PubMed 29215753 (cited by Labcorp Genetics (formerly Invitae), Labcorp); PubMed 15382066 (cited by Ambry Genetics and Quest Diagnostics Nichols Institute San Juan Capistrano); PubMed 20234365 (cited by Ambry Genetics); PubMed 26687385 (cited by Ambry Genetics); PubMed 29446198 (cited by Ambry Genetics); PubMed 26295337 (cited by Quest Diagnostics Nichols Institute San Juan Capistrano).

NM_007294.4(BRCA1):c.1953dup (p.Lys652fs)

Gene: BRCA1 (BRCA1 DNA repair associated; minus strand). Cytogenetic location: 17q21.31.
Variant type: Duplication.
Coding change: c.1953dup on transcript NM_007294.4 (MANE Select); coding-DNA position 1953, one base duplicated (G; older notation c.1953dupG).
Protein change: p.Lys652fs; shifts the reading frame from lysine 652.
Molecular consequence: frameshift variant. On other transcripts: intron variant (137).
Genome position (GRCh38, 1-based): chr17:43,093,578, C duplicated on the plus strand (G on the coding strand, the reverse complement: BRCA1 is on the minus strand). VCF-style (leftmost placement, unchanged base first): chr17-43093577-T-TC. GRCh37 (hg19) VCF-style: chr17-41245594-T-TC.
Other names: 2072insG; c.1953dupG (NM_007294.3); c.1827dup, p.Lys610fs (NM_001407670.1, NM_001407671.1, NM_001407672.1 and 11 more transcripts); c.1830dup, p.Lys611fs (NM_001407674.1, NM_001407675.1, NM_001407676.1 and 19 more transcripts); c.1953dup, p.Lys652fs (NM_001407684.1, NM_001407854.1, NM_001407858.1 and 30 more transcripts); c.1812dup, p.Lys605fs (NM_001407692.1, NM_001407694.1, NM_001407695.1 and 29 more transcripts); c.1809dup, p.Lys604fs (NM_001407740.1, NM_001407741.1, NM_001407742.1 and 20 more transcripts); c.1740dup, p.Lys581fs (NM_001407853.1, NM_001407894.1, NM_001407895.1 and 9 more transcripts); and 42 more; short protein forms K605fs, K652fs, K484fs, K541fs, K563fs, K584fs, K649fs, K610fs.
Identifiers: ClinVar variation 54412 (VCV000054412.22), dbSNP rs80357753, ClinGen allele CA001292.